The following is an entry in ClinVar:

NM_003183.6(ADAM17):c.1914+3_1914+6del

Genes: IAH1 (isoamyl acetate hydrolyzing esterase 1 (putative); plus strand), ADAM17 (ADAM metallopeptidase domain 17; minus strand). Cytogenetic location: 2p25.1.
Variant type: Deletion.
Coding change: c.1914+3_1914+6del on transcript NM_003183.6 (MANE Select); bases 3 to 6 of the intron after coding-DNA position 1914, 4 bases deleted (GAGT; older notation c.1914+3_1914+6delGAGT).
Molecular consequence: splice donor variant.
Genome position (GRCh38, 1-based): chr2:9,494,631-9,494,634, ACTC deleted on the plus strand (GAGT on the coding strand, the reverse complement: ADAM17 is on the minus strand); deleting any 4 consecutive bases within chr2:9,494,631-9,494,636 gives the same sequence; the c. name uses the placement nearest the transcript's 3' end. VCF-style (leftmost placement, unchanged base first): chr2-9494630-TACTC-T. GRCh37 (hg19) VCF-style: chr2-9634759-TACTC-T.
Identifiers: ClinVar variation 846168 (VCV000846168.5), dbSNP rs769369491, ClinGen allele CA1523383.

ClinVar aggregate classification (germline): Uncertain significance (1 of 4 stars; one submission).

Conditions:
Inflammatory skin and bowel disease, neonatal, 1. Identifiers: Orphanet 294023, MedGen C3280501, MONDO:0013693, OMIM 614328.

Submission:

Labcorp Genetics (formerly Invitae), Labcorp
Classification: Uncertain significance for Inflammatory skin and bowel disease, neonatal, 1. Last evaluated: 2022-06-03. Review status: criteria provided, single submitter. Criteria: Invitae Variant Classification Sherloc (09022015). Collection method: clinical testing. Allele origin: germline.
Comment: ClinVar contains an entry for this variant (Variation ID: 846168). In summary, the available evidence is currently insufficient to determine the role of this variant in disease. Therefore, it has been classified as a Variant of Uncertain Significance. Variants that disrupt the consensus splice site are a relatively common cause of aberrant splicing (PMID: 17576681, 9536098). Algorithms developed to predict the effect of sequence changes on RNA splicing suggest that this variant may disrupt the consensus splice site. This variant has not been reported in the literature in individuals affected with ADAM17-related conditions. This variant is present in population databases (rs769369491, gnomAD 0.0009%). This sequence change falls in intron 15 of the ADAM17 gene. It does not directly change the encoded amino acid sequence of the ADAM17 protein. It affects a nucleotide within the consensus splice site.

Literature cited by the submitters: PubMed 17576681; PubMed 9536098.